The following is an entry in ClinVar:

NM_018451.5(CPAP):c.2916G>A (p.Lys972=)

Gene: CPAP (centrosome assembly and centriole elongation protein; minus strand). Cytogenetic location: 13q12.12.
Variant type: single nucleotide variant.
Coding change: c.2916G>A on transcript NM_018451.5 (MANE Select); coding-DNA position 2916, G replaced by A.
Protein change: p.Lys972=; no amino-acid change (lysine 972 retained).
Molecular consequence: synonymous variant. On other transcripts: non-coding transcript variant (2).
Genome position (GRCh38, 1-based): chr13:24,899,494, C>T on the plus strand (G>A on the coding strand, the complement: CPAP is on the minus strand). VCF-style: chr13-24899494-C-T. GRCh37 (hg19) VCF-style: chr13-25473632-C-T.
Identifiers: ClinVar variation 3034444 (VCV003034444.2), dbSNP rs752228607, ClinGen allele CA6919475.
Genomic context (GRCh38, chr13:24,899,494, plus strand): 5'-TTCCTTTTTATCTGGAAAAGTTCTTGCAGCTGTAGTATACTTTTCAAAAACTTTACGTTC[C>T]TTTTGTAGCTTCCTCATCTCCTCCTTTTTAAACTCTTCTATTCGAGCTAATTCTTTTGCT-3'
Protein context (NP_060921.3, residues 962-982): FKKEEMRKLQ[Lys972=]ERKVFEKYTT

ClinVar aggregate classification (germline): Likely benign (0 of 4 stars; one submission).

Conditions:
CENPJ-related disorder. Also called: CENPJ-related condition; CENPJ-related disorders.

Allele frequency attached by ClinVar (database versions not stated): gnomAD 0.00001; gnomAD exomes 0.00003; ExAC 0.00007.
gnomAD v4.1: 39 of 1,613,694 alleles (0.0024%); highest among the groups gnomAD compares: South Asian, 0.043%; no homozygotes.

Submission:

PreventionGenetics, part of Exact Sciences
Classification: Likely benign for CENPJ-related condition. Last evaluated: 2019-06-11. Review status: no assertion criteria provided. Collection method: clinical testing. Allele origin: germline.
Comment: This variant is classified as likely benign based on ACMG/AMP sequence variant interpretation guidelines (Richards et al. 2015 PMID: 25741868, with internal and published modifications).